The following is an entry in ClinVar:

NM_001970.5(EIF5A):c.184G>A (p.Asp62Asn)

Gene: EIF5A (eukaryotic translation initiation factor 5A; plus strand). Cytogenetic location: 17p13.1.
Variant type: single nucleotide variant.
Coding change: c.184G>A on transcript NM_001970.5 (MANE Select); coding-DNA position 184, G replaced by A.
Protein change: p.Asp62Asn; replaces aspartic acid 62 with asparagine.
Molecular consequence: missense variant.
Genome position (GRCh38, 1-based): chr17:7,311,036, G>A. VCF-style: chr17-7311036-G-A. GRCh37 (hg19) VCF-style: chr17-7214355-G-A.
Other names: c.274G>A, p.Asp92Asn (NM_001143760.1); c.184G>A, p.Asp62Asn (NM_001143761.1, NM_001143762.2, NM_001370420.1 and 1 more transcripts); short protein forms D62N, D92N.
Identifiers: ClinVar variation 5019189 (VCV005019189.2).

ClinVar aggregate classification (germline): Uncertain significance (1 of 4 stars; one submission).

Conditions:
Faundes-Banka syndrome. Identifiers: MedGen C5543554, MONDO:0859163, OMIM 619376.

Submission:

Juno Genomics, Hangzhou Juno Genomics, Inc
Classification: Uncertain significance for Faundes-Banka syndrome. Review status: criteria provided, single submitter. Criteria: ACMG Guidelines, 2015. Collection method: clinical testing. Allele origin: germline.
Comment: Absent from controls (or at extremely low frequency if recessive) in Genome Aggregation Database.;Missense variant in a gene that has a low rate of benign missense variation.